The following is an entry in ClinVar:

ClinVar aggregate classification (germline): Benign. Review status: criteria provided, multiple submitters, no conflicts (2 of 4 stars). 5 submissions from 5 submitters: Benign (5). Last evaluated 2026-02-01.

Allele frequency attached by ClinVar (database versions not stated): 1000 Genomes Project 0.02256; 1000 Genomes Project 30x 0.02264; gnomAD 0.03594 and 0.03626; gnomAD exomes 0.04182 and 0.04542; ExAC 0.04238; TOPMed 0.03102; ESP Exome Variant Server 0.03463.
gnomAD v4.1: 71,863 of 1,611,874 alleles (4.5%); highest among the groups gnomAD compares: Middle Eastern, 7%; 1,795 homozygotes.

Submissions (5):

Labcorp Genetics (formerly Invitae), Labcorp
Classification: Benign. Last evaluated: 2026-02-01. Review status: criteria provided, single submitter. Criteria: Invitae Variant Classification Sherloc (09022015). Collection method: clinical testing. Allele origin: germline.

GeneDx
Classification: Benign. Last evaluated: 2018-06-16. Review status: criteria provided, single submitter. Criteria: GeneDx Variant Classification (06012015). Collection method: clinical testing. Allele origin: germline. Affected: yes.
Comment: This variant is considered likely benign or benign based on one or more of the following criteria: it is a conservative change, it occurs at a poorly conserved position in the protein, it is predicted to be benign by multiple in silico algorithms, and/or has population frequency not consistent with disease.

Laboratory for Molecular Medicine, Mass General Brigham Personalized Medicine
Classification: Benign. Last evaluated: 2014-11-24. Review status: criteria provided, single submitter. Criteria: LMM Criteria. Collection method: clinical testing. Allele origin: germline. Observed: 50 variant alleles.
Comment: 1268-13A>G in intron 6 of CEACAM16: This variant is not expected to have clinica l significance because it has been identified in 4.7% (391/8310) of European Ame rican chromosomes from a broad population by the NHLBI Exome Sequencing Project (dbSNP rs143934888).

Breakthrough Genomics
Classification: Benign. Review status: criteria provided, single submitter. Criteria: ACMG Guidelines, 2015. Collection method: not provided. Allele origin: germline. Inheritance: Autosomal recessive inheritance. Affected: yes.

PreventionGenetics, part of Exact Sciences
Classification: Benign. Review status: criteria provided, single submitter. Criteria: ACMG Guidelines, 2015. Collection method: clinical testing. Allele origin: germline.

NM_001039213.4(CEACAM16):c.1268-13A>G

Genes: CEACAM16 (CEA cell adhesion molecule 16, tectorial membrane component; plus strand), CEACAM16-AS1 (CEACAM16, CEACAM19 and PVR antisense RNA 1; minus strand). Cytogenetic location: 19q13.32.
Variant type: single nucleotide variant.
Coding change: c.1268-13A>G on transcript NM_001039213.4 (MANE Select); 13 bases into the intron before coding-DNA position 1268, A replaced by G.
Molecular consequence: intron variant.
Genome position (GRCh38, 1-based): chr19:44,710,483, A>G. VCF-style: chr19-44710483-A-G. GRCh37 (hg19) VCF-style: chr19-45213755-A-G.
Identifiers: ClinVar variation 226504 (VCV000226504.14), dbSNP rs143934888, ClinGen allele CA9503285.